The following is an entry in ClinVar:

ClinVar aggregate classification (germline): Conflicting classifications of pathogenicity. Review status: criteria provided, conflicting classifications (1 of 4 stars). 2 submissions from 2 submitters: Uncertain significance (1); Likely benign (1). Last evaluated 2025-06-09.

Conditions:
Inborn genetic diseases. Identifiers: MedGen C0950123, MeSH D030342.
Dyskeratosis congenita. Identifiers: Orphanet 1775, MedGen C0265965, MONDO:0015780.

gnomAD v4.1: 15 of 1,613,672 alleles (0.00093%); highest among the groups gnomAD compares: African/African-American, 0.0013%; no homozygotes.

Submissions (2):

Ambry Genetics
Classification: Likely benign for Inborn genetic diseases. Last evaluated: 2025-06-09. Review status: criteria provided, single submitter. Criteria: Ambry Variant Classification Scheme 2023. Collection method: clinical testing. Allele origin: germline.

Labcorp Genetics (formerly Invitae), Labcorp
Classification: Uncertain significance for Dyskeratosis congenita. Last evaluated: 2023-10-13. Review status: criteria provided, single submitter. Criteria: Invitae Variant Classification Sherloc (09022015). Collection method: clinical testing. Allele origin: germline.
Comment: This sequence change replaces alanine, which is neutral and non-polar, with proline, which is neutral and non-polar, at codon 825 of the CTC1 protein (p.Ala825Pro). This variant is present in population databases (no rsID available, gnomAD 0.0009%). This variant has not been reported in the literature in individuals affected with CTC1-related conditions. ClinVar contains an entry for this variant (Variation ID: 2047297). Algorithms developed to predict the effect of missense changes on protein structure and function output the following: SIFT: "Not Available"; PolyPhen-2: "Benign"; Align-GVGD: "Not Available". The proline amino acid residue is found in multiple mammalian species, which suggests that this missense change does not adversely affect protein function. In summary, the available evidence is currently insufficient to determine the role of this variant in disease. Therefore, it has been classified as a Variant of Uncertain Significance.

NM_025099.6(CTC1):c.2473G>C (p.Ala825Pro)

Gene: CTC1 (CST telomere replication complex component 1; minus strand). Cytogenetic location: 17p13.1.
Variant type: single nucleotide variant.
Coding change: c.2473G>C on transcript NM_025099.6 (MANE Select); coding-DNA position 2473, G replaced by C.
Protein change: p.Ala825Pro; replaces alanine 825 with proline.
Molecular consequence: missense variant. On other transcripts: non-coding transcript variant (1).
Genome position (GRCh38, 1-based): chr17:8,231,728, C>G on the plus strand (G>C on the coding strand, the complement: CTC1 is on the minus strand). VCF-style: chr17-8231728-C-G. GRCh37 (hg19) VCF-style: chr17-8135046-C-G.
Other names: c.2473G>C, p.Ala825Pro (NM_001411067.1); c.2473G>C (NM_025099.5); short protein forms A825P.
Identifiers: ClinVar variation 2047297 (VCV002047297.5), dbSNP rs915406565, ClinGen allele CA287533382.